The following is an entry in ClinVar:

ClinVar aggregate classification (germline): Likely benign. Review status: criteria provided, multiple submitters, no conflicts (2 of 4 stars). 3 submissions from 3 submitters: Likely benign (2). 1 of the submissions does not count toward it. Last evaluated 2024-05-13.

Allele frequency attached by ClinVar (database versions not stated): gnomAD exomes 0.00001 and 0.00002; ExAC 0.00002; gnomAD 0.00072; 1000 Genomes Project 30x 0.00172.

Submissions (3):

Blueprint Genetics
Classification: Likely benign. Last evaluated: 2024-05-13. Review status: criteria provided, single submitter. Criteria: ACMG Guidelines, 2015. Collection method: clinical testing. Allele origin: germline.

Breakthrough Genomics
Classification: Likely benign. Review status: criteria provided, single submitter. Criteria: ACMG Guidelines, 2015. Collection method: not provided. Allele origin: germline. Inheritance: Autosomal dominant inheritance. Affected: yes.

Department of Pathology and Laboratory Medicine, Sinai Health System
Classification: Likely benign. Review status: no assertion criteria provided. Collection method: clinical testing. Allele origin: unknown. Affected: yes. Study: The Canadian Open Genetics Repository (COGR). Not counted in ClinVar's aggregate classification.
Comment: The FLG p.Asp921Asn variant was not identified in the literature nor was it identified in ClinVar or LOVD 3.0. The variant was identified in dbSNP (ID: rs781592684) and Cosmic (FATHMM prediction: neutral; score=0.01). The variant was also identified in control databases in 41 of 282168 chromosomes at a frequency of 0.000145 (Genome Aggregation Database Feb 27, 2017) and was observed in the following populations: African in 39 of 24268 chromosomes (freq: 0.001607) and European (non-Finnish) in 2 of 129184 chromosomes (freq: 0.000015), while the variant was not observed in the Latino, Ashkenazi Jewish, East Asian, European (Finnish), Other and South Asian populations. The variant occurs outside of the splicing consensus sequence and in silico or computational prediction software programs (SpliceSiteFinder, MaxEntScan, NNSPLICE, GeneSplicer) do not predict a differnece in splicing. The p.Asp921 residue is not conserved in mammals and computational analyses (PolyPhen-2, SIFT, AlignGVGD, BLOSUM, MutationTaster) do not suggest a high likelihood of impact to the protein; however, this information is not predictive enough to rule out pathogenicity. In summary, based on the above information the clinical significance of this variant cannot be determined with certainty at this time although we would lean towards a more benign role for this variant. This variant is classified as likely benign.

NM_002016.2(FLG):c.2761G>A (p.Asp921Asn)

Genes: CCDST (cervical cancer associated DHX9 suppressive transcript; plus strand), FLG (filaggrin; minus strand). Cytogenetic location: 1q21.3.
Variant type: single nucleotide variant.
Coding change: c.2761G>A on transcript NM_002016.2 (MANE Select); coding-DNA position 2761, G replaced by A.
Protein change: p.Asp921Asn; replaces aspartic acid 921 with asparagine.
Molecular consequence: missense variant.
Genome position (GRCh38, 1-based): chr1:152,312,125, C>T on the plus strand (G>A on the coding strand, the complement: FLG is on the minus strand). VCF-style: chr1-152312125-C-T. GRCh37 (hg19) VCF-style: chr1-152284601-C-T.
Other names: short protein forms D921N.
Identifiers: ClinVar variation 1050032 (VCV001050032.3), dbSNP rs781592684, ClinGen allele CA1107006.